The following is an entry in ClinVar:

ClinVar aggregate classification (germline): Uncertain significance. Review status: criteria provided, multiple submitters, no conflicts (2 of 4 stars). 2 submissions from 2 submitters: Uncertain significance (2). Last evaluated 2025-10-30.

Conditions:
Inborn genetic diseases. Identifiers: MedGen C0950123, MeSH D030342.

gnomAD v4.1: 33 of 1,487,096 alleles (0.0022%); highest among the groups gnomAD compares: Middle Eastern, 0.16%; no homozygotes.

Submissions (2):

Ambry Genetics
Classification: Uncertain significance for Inborn genetic diseases. Last evaluated: 2025-10-30. Review status: criteria provided, single submitter. Criteria: Ambry Variant Classification Scheme 2023. Collection method: clinical testing. Allele origin: germline.

CeGaT Center for Human Genetics Tuebingen
Classification: Uncertain significance. Last evaluated: 2025-08-01. Review status: criteria provided, single submitter. Criteria: CeGaT Center For Human Genetics Tuebingen Variant Classification Criteria Version 2. Collection method: clinical testing. Allele origin: germline. Affected: yes. Observed: 1 variant allele.
Comment: TRAK1: PM2, PM3:Supporting

NM_001042646.3(TRAK1):c.1457C>T (p.Thr486Met)

Gene: TRAK1 (trafficking kinesin protein 1; plus strand). Cytogenetic location: 3p22.1.
Variant type: single nucleotide variant.
Coding change: c.1457C>T on transcript NM_001042646.3 (MANE Select); coding-DNA position 1457, C replaced by T.
Protein change: p.Thr486Met; replaces threonine 486 with methionine.
Molecular consequence: missense variant. On other transcripts: non-coding transcript variant (1).
Genome position (GRCh38, 1-based): chr3:42,202,465, C>T. VCF-style: chr3-42202465-C-T. GRCh37 (hg19) VCF-style: chr3-42243957-C-T.
Other names: c.1235C>T, p.Thr412Met (NM_001349249.1, NM_001265609.2, NM_001265610.1 and 1 more transcripts); c.1283C>T, p.Thr428Met (NM_001410741.1, NM_014965.5); c.1457C>T (NM_001042646.1); c.1457C>T, p.Thr486Met (NM_001265608.2, NM_001349246.2, NM_001349247.2); c.1145C>T, p.Thr382Met (NM_001349245.1); short protein forms T382M, T412M, T428M, T486M.
Identifiers: ClinVar variation 4083954 (VCV004083954.8).